The following is an entry in ClinVar:

ClinVar aggregate classification (germline): Benign/Likely benign. Review status: criteria provided, multiple submitters, no conflicts (2 of 4 stars). 9 submissions from 8 submitters: Benign (7); Likely benign (1). 1 of the submissions does not count toward it. Last evaluated 2026-01-15.

Conditions:
SYNE1-related disorder. Also called: SYNE1-related disorders; SYNE1-related disease; SYNE1-related condition.
Autosomal recessive ataxia, Beauce type. Also called: ATAXIA, RECESSIVE, OF BEAUCE; Spinocerebellar ataxia, autosomal recessive 8; SYNE1-Related Autosomal Recessive Cerebellar Ataxia; SYNE1 Deficiency. Identifiers: Orphanet 88644, MedGen C1853116, MONDO:0012549, OMIM 610743.
Emery-Dreifuss muscular dystrophy 4, autosomal dominant (EDMD4). Also called: EMERY-DREIFUSS MUSCULAR DYSTROPHY 4 WITH VARIABLE FEATURES. Identifiers: Orphanet 261, MedGen C2751807, MONDO:0013071, OMIM 612998.

Allele frequency attached by ClinVar (database versions not stated): gnomAD 0.00025 and 0.00044; TOPMed 0.00071; ExAC 0.00117; gnomAD exomes 0.00118; 1000 Genomes Project 30x 0.00234; 1000 Genomes Project 0.00280.
gnomAD v4.1: 573 of 1,613,832 alleles (0.036%); highest among the groups gnomAD compares: East Asian, 0.97%; 3 homozygotes.

Submissions (9):

Labcorp Genetics (formerly Invitae), Labcorp
Classification: Benign for Emery-Dreifuss muscular dystrophy 4, autosomal dominant; Autosomal recessive ataxia, Beauce type. Last evaluated: 2026-01-15. Review status: criteria provided, single submitter. Criteria: Invitae Variant Classification Sherloc (09022015). Collection method: clinical testing. Allele origin: germline.

CeGaT Center for Human Genetics Tuebingen
Classification: Benign. Last evaluated: 2026-01-01. Review status: criteria provided, single submitter. Criteria: CeGaT Center For Human Genetics Tuebingen Variant Classification Criteria Version 2. Collection method: clinical testing. Allele origin: germline. Affected: yes. Observed: 3 variant alleles.
Comment: SYNE1: BS1, BS2

Blueprint Genetics
Classification: Likely benign. Last evaluated: 2024-11-21. Review status: criteria provided, single submitter. Criteria: ACMG Guidelines, 2015. Collection method: clinical testing. Allele origin: germline.

Athena Diagnostics
Classification: Benign. Last evaluated: 2023-11-15. Review status: criteria provided, single submitter. Criteria: Athena Diagnostics Criteria. Collection method: clinical testing. Allele origin: unknown.

Illumina Laboratory Services, Illumina
Classification: Benign for Autosomal recessive ataxia, Beauce type. Last evaluated: 2018-01-13. Review status: criteria provided, single submitter. Criteria: ICSL Variant Classification Criteria 13 December 2019. Collection method: clinical testing. Allele origin: germline.
Comment: This variant was observed in the ICSL laboratory as part of a predisposition screen in an ostensibly healthy population. It had not been previously curated by ICSL or reported in the Human Gene Mutation Database (HGMD: prior to June 1st, 2018), and was therefore a candidate for classification through an automated scoring system. Utilizing variant allele frequency, disease prevalence and penetrance estimates, and inheritance mode, an automated score was calculated to assess if this variant is too frequent to cause the disease. Based on the score and internal cut-off values, a variant classified as benign is not then subjected to further curation. The score for this variant resulted in a classification of benign for this disease.

Illumina Laboratory Services, Illumina
Classification: Benign for Emery-Dreifuss muscular dystrophy 4, autosomal dominant. Last evaluated: 2018-01-13. Review status: criteria provided, single submitter. Criteria: ICSL Variant Classification Criteria 13 December 2019. Collection method: clinical testing. Allele origin: germline.
Comment: the same text as in the submission from Illumina Laboratory Services, Illumina above.

GeneDx
Classification: Benign. Last evaluated: 2017-03-29. Review status: criteria provided, single submitter. Criteria: GeneDx Variant Classification (06012015). Collection method: clinical testing. Allele origin: germline. Affected: yes.
Comment: This variant is considered likely benign or benign based on one or more of the following criteria: it is a conservative change, it occurs at a poorly conserved position in the protein, it is predicted to be benign by multiple in silico algorithms, and/or has population frequency not consistent with disease.

Eurofins Ntd Llc (ga)
Classification: Benign. Last evaluated: 2015-09-10. Review status: criteria provided, single submitter. Criteria: EGL Classification Definitions 2015. Collection method: clinical testing. Allele origin: germline. Observed: 2 variant alleles, 2 heterozygotes.

PreventionGenetics, part of Exact Sciences
Classification: Likely benign for SYNE1-related condition. Last evaluated: 2024-06-12. Review status: no assertion criteria provided. Collection method: clinical testing. Allele origin: germline. Not counted in ClinVar's aggregate classification.
Comment: This variant is classified as likely benign based on ACMG/AMP sequence variant interpretation guidelines (Richards et al. 2015 PMID: 25741868, with internal and published modifications).

Literature cited by the submitters: PubMed 27066551 (cited by Athena Diagnostics); PubMed 35081690 (cited by Athena Diagnostics); PubMed 30348779 (cited by Athena Diagnostics).

NM_182961.4(SYNE1):c.1838C>T (p.Ser613Phe)

Gene: SYNE1 (spectrin repeat containing nuclear envelope protein 1; minus strand). Cytogenetic location: 6q25.2.
Variant type: single nucleotide variant.
Coding change: c.1838C>T on transcript NM_182961.4 (MANE Select); coding-DNA position 1838, C replaced by T.
Protein change: p.Ser613Phe; replaces serine 613 with phenylalanine.
Molecular consequence: missense variant.
Genome position (GRCh38, 1-based): chr6:152,465,352, G>A on the plus strand (C>T on the coding strand, the complement: SYNE1 is on the minus strand). VCF-style: chr6-152465352-G-A. GRCh37 (hg19) VCF-style: chr6-152786487-G-A.
Other names: c.1859C>T, p.Ser620Phe (NM_033071.5); short protein forms S620F, S613F.
Identifiers: ClinVar variation 282246 (VCV000282246.50), dbSNP rs140135976, ClinGen allele CA4059292.